The following is an entry in ClinVar:

ClinVar aggregate classification (germline): Pathogenic (1 of 4 stars; one submission).

Conditions:
Beta-D-mannosidosis (MANSB). Also called: MANNOSIDOSIS, BETA A, LYSOSOMAL; BETA-MANNOSIDASE DEFICIENCY; LYSOSOMAL BETA-MANNOSIDASE DEFICIENCY; Beta-Mannosidosis. Identifiers: Orphanet 118, MedGen C4048196, MONDO:0009562, OMIM 248510.

Submission:

Labcorp Genetics (formerly Invitae), Labcorp
Classification: Pathogenic for Beta-D-mannosidosis. Last evaluated: 2023-09-12. Review status: criteria provided, single submitter. Criteria: Invitae Variant Classification Sherloc (09022015). Collection method: clinical testing. Allele origin: unknown.
Comment: For these reasons, this variant has been classified as Pathogenic. This variant has not been reported in the literature in individuals affected with MANBA-related conditions. This variant is a gross deletion of the genomic region encompassing exon(s) 6-10 of the MANBA gene. This deletion is out-of-frame, and is expected to create a premature termination codon and result in an absent or disrupted protein product. Loss-of-function variants in MANBA are known to be pathogenic (PMID: 9384606, 12468273).

Literature cited by the submitters: PubMed 9384606; PubMed 12468273.

NC_000004.11:g.(?_103590100)_(103611948_?)del

Gene: MANBA (mannosidase beta; minus strand). Cytogenetic location: 4q24.
Variant type: Deletion.
Identifiers: ClinVar variation 3246689 (VCV003246689.1).